The following is an entry in ClinVar:

NM_000295.5(SERPINA1):c.1075A>G (p.Lys359Glu)

Gene: SERPINA1 (serpin family A member 1; minus strand). Cytogenetic location: 14q32.13.
Variant type: single nucleotide variant.
Coding change: c.1075A>G on transcript NM_000295.5 (MANE Select); coding-DNA position 1075, A replaced by G.
Protein change: p.Lys359Glu; replaces lysine 359 with glutamic acid.
Molecular consequence: missense variant.
Genome position (GRCh38, 1-based): chr14:94,378,631, T>C on the plus strand (A>G on the coding strand, the complement: SERPINA1 is on the minus strand). VCF-style: chr14-94378631-T-C. GRCh37 (hg19) VCF-style: chr14-94844968-T-C.
Other names: c.1075A>G, p.Lys359Glu (NM_001002235.3, NM_001002236.3, NM_001127700.2 and 7 more transcripts); short protein forms K359E.
Identifiers: ClinVar variation 556005 (VCV000556005.10), dbSNP rs200945035, ClinGen allele CA7327290.

ClinVar aggregate classification (germline): Uncertain significance. Review status: criteria provided, multiple submitters, no conflicts (2 of 4 stars). 5 submissions from 5 submitters: Uncertain significance (4). 1 of the submissions does not count toward it. Last evaluated 2023-08-29.

Conditions:
Alpha-1-antitrypsin deficiency (A1ATD). Also called: Alpha1-Antitrypsin Deficiency; AAT deficiency; A1AT deficiency. Identifiers: Orphanet 60, MedGen C0221757, MONDO:0013282, OMIM 613490.

Allele frequency attached by ClinVar (database versions not stated): gnomAD exomes 0.00004 and 0.00014; gnomAD 0.00007 and 0.00009; ExAC 0.00015; 1000 Genomes Project 30x 0.00047; 1000 Genomes Project 0.00060.

Submissions (5):

Department of Pathology and Laboratory Medicine, Sinai Health System
Classification: Uncertain significance for Alpha-1-antitrypsin deficiency. Last evaluated: 2023-08-29. Review status: criteria provided, single submitter. Criteria: ACMG Guidelines, 2015. Collection method: research. Allele origin: germline.

Labcorp Genetics (formerly Invitae), Labcorp
Classification: Uncertain significance for Alpha-1-antitrypsin deficiency. Last evaluated: 2021-11-22. Review status: criteria provided, single submitter. Criteria: Invitae Variant Classification Sherloc (09022015). Collection method: clinical testing. Allele origin: germline.
Comment: This sequence change replaces lysine, which is basic and polar, with glutamic acid, which is acidic and polar, at codon 359 of the SERPINA1 protein (p.Lys359Glu). The frequency data for this variant in the population databases is considered unreliable, as metrics indicate poor data quality at this position in the gnomAD database. This variant has not been reported in the literature in individuals affected with SERPINA1-related conditions. This variant is also known as p.Lys335Glu or PI*ETokyo. ClinVar contains an entry for this variant (Variation ID: 556005). Advanced modeling of protein sequence and biophysical properties (such as structural, functional, and spatial information, amino acid conservation, physicochemical variation, residue mobility, and thermodynamic stability) performed at Invitae indicates that this missense variant is expected to disrupt SERPINA1 protein function. In summary, the available evidence is currently insufficient to determine the role of this variant in disease. Therefore, it has been classified as a Variant of Uncertain Significance.

Fulgent Genetics
Classification: Uncertain significance for Alpha-1-antitrypsin deficiency. Last evaluated: 2021-09-25. Review status: criteria provided, single submitter. Criteria: ACMG Guidelines, 2015. Collection method: clinical testing. Allele origin: unknown.

Illumina Laboratory Services, Illumina
Classification: Uncertain significance for Alpha-1-antitrypsin deficiency. Last evaluated: 2017-04-27. Review status: criteria provided, single submitter. Criteria: ICSL Variant Classification Criteria 13 December 2019. Collection method: clinical testing. Allele origin: germline.

Counsyl
Classification: Uncertain significance for Alpha-1-antitrypsin deficiency. Last evaluated: 2018-01-05. Review status: no assertion criteria provided. Collection method: clinical testing. Allele origin: unknown. Not counted in ClinVar's aggregate classification.

Literature cited by the submitters: PubMed 12935698 (cited by Counsyl); PubMed 18515255 (cited by Counsyl).